The following is an entry in ClinVar:

ClinVar aggregate classification (germline): Benign/Likely benign. Review status: criteria provided, multiple submitters, no conflicts (2 of 4 stars). 2 submissions from 2 submitters: Benign (1); Likely benign (1). Last evaluated 2025-01-14.

Conditions:
Familial cancer of breast. Also called: hereditary breast carcinoma; Hereditary breast cancer; BREAST CANCER, FAMILIAL. Identifiers: Orphanet 227535, MedGen C0346153, MONDO:0016419, OMIM 114480. Disease mechanism: loss of function.

Submissions (2):

Myriad Genetics, Inc.
Classification: Benign for Familial cancer of breast. Last evaluated: 2025-01-14. Review status: criteria provided, single submitter. Criteria: Myriad Autosomal Dominant, Autosomal Recessive and X-Linked Classification Criteria (2023). Collection method: clinical testing. Allele origin: unknown.
Comment: This variant is considered benign. This variant is a silent/synonymous amino acid change and it is not expected to impact splicing.

Labcorp Genetics (formerly Invitae), Labcorp
Classification: Likely benign for Familial cancer of breast. Last evaluated: 2021-12-13. Review status: criteria provided, single submitter. Criteria: Invitae Variant Classification Sherloc (09022015). Collection method: clinical testing. Allele origin: germline.

NM_024675.4(PALB2):c.1596A>C (p.Pro532=)

Gene: PALB2 (partner and localizer of BRCA2; minus strand). Cytogenetic location: 16p12.2.
Variant type: single nucleotide variant.
Coding change: c.1596A>C on transcript NM_024675.4 (MANE Select); coding-DNA position 1596, A replaced by C.
Protein change: p.Pro532=; no amino-acid change (proline 532 retained).
Molecular consequence: synonymous variant. On other transcripts: intron variant (3).
Genome position (GRCh38, 1-based): chr16:23,634,950, T>G on the plus strand (A>C on the coding strand, the complement: PALB2 is on the minus strand). VCF-style: chr16-23634950-T-G. GRCh37 (hg19) VCF-style: chr16-23646271-T-G.
Other names: c.1536A>C, p.Pro512= (NM_001407296.1); c.1596A>C, p.Pro532= (NM_001407297.1, NM_001407298.1, NM_001407299.1 and 3 more transcripts); c.711A>C, p.Pro237= (NM_001407304.1, NM_001407305.1, NM_001407306.1 and 5 more transcripts); c.49-5675A>C (NM_001407314.1); c.-104-4481A>C (NM_001407313.1, NM_001407312.1).
Identifiers: ClinVar variation 2041770 (VCV002041770.5), dbSNP rs2142411606, ClinGen allele CA494461256.
Genomic context (GRCh38, chr16:23,634,950, plus strand): 5'-CTGATATTTGTGTGAGGTGACTTCTTCCTTGGACCTGTTAACAATCGACAGGCTAGAAGT[T>G]GGCAAAAGTGGTTCACAATGATCTGATGCTGGGGTGCAGGCTGATTTTCTTTTTCCTGTG-3'
Protein context (NP_078951.2, residues 522-542): PASDHCEPLL[Pro532=]TSSLSIVNRS